The following is an entry in ClinVar:

ClinVar aggregate classification (germline): Uncertain significance. Review status: criteria provided, multiple submitters, no conflicts (2 of 4 stars). 3 submissions from 3 submitters: Uncertain significance (3). Last evaluated 2024-12-23.

Conditions:
Familial thoracic aortic aneurysm and aortic dissection (TAAD). Also called: Thoracic aortic aneurysms and dissections. Identifiers: Orphanet 91387, MedGen C4707243, MONDO:0019625.
Loeys-Dietz syndrome 4 (LDS4). Also called: ANEURYSM, AORTIC AND CEREBRAL, WITH ARTERIAL TORTUOSITY AND SKELETAL MANIFESTATIONS; TGFB2-Related Loeys-Dietz Syndrome. Identifiers: MedGen C3553762, MONDO:0013897, OMIM 614816.

Allele frequency attached by ClinVar (database versions not stated): gnomAD exomes below 0.00001; TOPMed below 0.00001; ExAC 0.00001.
gnomAD v4.1: 20 of 1,614,182 alleles (0.0012%); highest among the groups gnomAD compares: South Asian, 0.0022%; no homozygotes.

Submissions (3):

Labcorp Genetics (formerly Invitae), Labcorp
Classification: Uncertain significance for Loeys-Dietz syndrome 4. Last evaluated: 2024-12-23. Review status: criteria provided, single submitter. Criteria: Invitae Variant Classification Sherloc (09022015). Collection method: clinical testing. Allele origin: germline.
Comment: This sequence change replaces proline, which is neutral and non-polar, with serine, which is neutral and polar, at codon 65 of the TGFB2 protein (p.Pro65Ser). This variant is present in population databases (rs747128130, gnomAD 0.003%). This variant has not been reported in the literature in individuals affected with TGFB2-related conditions. ClinVar contains an entry for this variant (Variation ID: 459263). Invitae Evidence Modeling of protein sequence and biophysical properties (such as structural, functional, and spatial information, amino acid conservation, physicochemical variation, residue mobility, and thermodynamic stability) indicates that this missense variant is not expected to disrupt TGFB2 protein function with a negative predictive value of 80%. In summary, the available evidence is currently insufficient to determine the role of this variant in disease. Therefore, it has been classified as a Variant of Uncertain Significance.

Ambry Genetics
Classification: Uncertain significance for Familial thoracic aortic aneurysm and aortic dissection. Last evaluated: 2022-06-01. Review status: criteria provided, single submitter. Criteria: Ambry Variant Classification Scheme 2023. Collection method: clinical testing. Allele origin: germline.
Comment: The p.P65S variant (also known as c.193C>T), located in coding exon 1 of the TGFB2 gene, results from a C to T substitution at nucleotide position 193. The proline at codon 65 is replaced by serine, an amino acid with similar properties. This amino acid position is conserved. In addition, this alteration is predicted to be tolerated by in silico analysis. Since supporting evidence is limited at this time, the clinical significance of this alteration remains unclear.

Fulgent Genetics
Classification: Uncertain significance for Loeys-Dietz syndrome 4. Last evaluated: 2021-09-07. Review status: criteria provided, single submitter. Criteria: ACMG Guidelines, 2015. Collection method: clinical testing. Allele origin: unknown.

NM_003238.6(TGFB2):c.193C>T (p.Pro65Ser)

Gene: TGFB2 (transforming growth factor beta 2; plus strand). Cytogenetic location: 1q41.
Variant type: single nucleotide variant.
Coding change: c.193C>T on transcript NM_003238.6 (MANE Select); coding-DNA position 193, C replaced by T.
Protein change: p.Pro65Ser; replaces proline 65 with serine.
Molecular consequence: missense variant. On other transcripts: non-coding transcript variant (2).
Genome position (GRCh38, 1-based): chr1:218,346,894, C>T. VCF-style: chr1-218346894-C-T. GRCh37 (hg19) VCF-style: chr1-218520236-C-T.
Other names: c.193C>T, p.Pro65Ser (NM_001135599.4); short protein forms P65S.
Identifiers: ClinVar variation 459263 (VCV000459263.13), dbSNP rs747128130, ClinGen allele CA1398383.